The following is an entry in ClinVar:

ClinVar aggregate classification (germline): Conflicting classifications of pathogenicity. Review status: criteria provided, conflicting classifications (1 of 4 stars). 2 submissions from 2 submitters: Uncertain significance (1); Likely benign (1). Last evaluated 2026-07-07.

Conditions:
Hereditary cancer-predisposing syndrome. Also called: Hereditary Cancer Syndrome; Hereditary neoplastic syndrome; Neoplastic Syndromes, Hereditary; Tumor predisposition. Identifiers: Orphanet 140162, MedGen C0027672, MeSH D009386, MONDO:0015356.

Submissions (2):

Ambry Genetics
Classification: Uncertain significance for Hereditary cancer-predisposing syndrome. Last evaluated: 2026-07-07. Review status: criteria provided, single submitter. Criteria: Ambry Variant Classification Scheme 2023. Collection method: clinical testing. Allele origin: germline.
Comment: The p.A17T variant (also known as c.49G>A), located in coding exon 1 of the FH gene, results from a G to A substitution at nucleotide position 49. The alanine at codon 17 is replaced by threonine, an amino acid with similar properties. This amino acid position is conserved. In addition, the in silico prediction for this alteration is inconclusive. Based on the available evidence, the clinical significance of this variant remains unclear.

Labcorp Genetics (formerly Invitae), Labcorp
Classification: Likely benign. Last evaluated: 2025-04-09. Review status: criteria provided, single submitter. Criteria: Invitae Variant Classification Sherloc (09022015). Collection method: clinical testing. Allele origin: germline.

NM_000143.4(FH):c.49G>A (p.Ala17Thr)

Gene: FH (fumarate hydratase; minus strand). Cytogenetic location: 1q43.
Variant type: single nucleotide variant.
Coding change: c.49G>A on transcript NM_000143.4 (MANE Select); coding-DNA position 49, G replaced by A.
Protein change: p.Ala17Thr; replaces alanine 17 with threonine.
Molecular consequence: missense variant.
Genome position (GRCh38, 1-based): chr1:241,519,674, C>T on the plus strand (G>A on the coding strand, the complement: FH is on the minus strand). VCF-style: chr1-241519674-C-T. GRCh37 (hg19) VCF-style: chr1-241682974-C-T.
Other names: short protein forms A17T.
Identifiers: ClinVar variation 4698754 (VCV004698754.2).